The following is an entry in ClinVar:

NM_001164508.2(NEB):c.20682+1G>A

Gene: NEB (nebulin; minus strand). Cytogenetic location: 2q23.3.
Variant type: single nucleotide variant.
Coding change: c.20682+1G>A on transcript NM_001164508.2 (MANE Select); the canonical splice donor site of the intron after coding-DNA position 20682, G replaced by A.
Molecular consequence: splice donor variant.
Genome position (GRCh38, 1-based): chr2:151,541,446, C>T on the plus strand (G>A on the coding strand, the complement: NEB is on the minus strand). VCF-style: chr2-151541446-C-T. GRCh37 (hg19) VCF-style: chr2-152397960-C-T.
Other names: c.15579+1G>A (NM_004543.5); c.20682+1G>A (NM_001164507.2, NM_001271208.2).
Identifiers: ClinVar variation 664360 (VCV000664360.9), dbSNP rs1576819152, ClinGen allele CA348778677.

ClinVar aggregate classification (germline): Likely pathogenic (1 of 4 stars; one submission).

Conditions:
Nemaline myopathy 2 (NEM2). Also called: Nemaline myopathy 2, autosomal recessive. Identifiers: MedGen C1850569, MONDO:0009725, OMIM 256030.

Submission:

Labcorp Genetics (formerly Invitae), Labcorp
Classification: Likely pathogenic for Nemaline myopathy 2. Last evaluated: 2022-09-01. Review status: criteria provided, single submitter. Criteria: Invitae Variant Classification Sherloc (09022015). Collection method: clinical testing. Allele origin: germline.
Comment: In summary, the currently available evidence indicates that the variant is pathogenic, but additional data are needed to prove that conclusively. Therefore, this variant has been classified as Likely Pathogenic. Algorithms developed to predict the effect of sequence changes on RNA splicing suggest that this variant may disrupt the consensus splice site. ClinVar contains an entry for this variant (Variation ID: 664360). This variant has not been reported in the literature in individuals affected with NEB-related conditions. This variant is not present in population databases (gnomAD no frequency). This sequence change affects a donor splice site in intron 136 of the NEB gene. It is expected to disrupt RNA splicing. Variants that disrupt the donor or acceptor splice site typically lead to a loss of protein function (PMID: 16199547), and loss-of-function variants in NEB are known to be pathogenic (PMID: 25205138).

Literature cited by the submitters: PubMed 16199547; PubMed 25205138.